The following is an entry in ClinVar:

NM_003482.4(KMT2D):c.15738C>T (p.Ile5246=)

Gene: KMT2D (lysine methyltransferase 2D; minus strand). Cytogenetic location: 12q13.12.
Variant type: single nucleotide variant.
Coding change: c.15738C>T on transcript NM_003482.4 (MANE Select); coding-DNA position 15738, C replaced by T.
Protein change: p.Ile5246=; no amino-acid change (isoleucine 5246 retained).
Molecular consequence: synonymous variant.
Genome position (GRCh38, 1-based): chr12:49,026,228, G>A on the plus strand (C>T on the coding strand, the complement: KMT2D is on the minus strand). VCF-style: chr12-49026228-G-A. GRCh37 (hg19) VCF-style: chr12-49420011-G-A.
Identifiers: ClinVar variation 1576108 (VCV001576108.32), dbSNP rs1263016051, ClinGen allele CA479522681.
Genomic context (GRCh38, chr12:49,026,228, plus strand): 5'-GGCCCACTGCTCACCCTGGGGAGAGGCGTCAGTGAAGACCAGGTCCTCCAGGCCCTGCTC[G>A]ATGACTTTGATTACAAACTCCGGCCGCCCGTTGTTCTCACCAATAGAACAGCGATAGCAG-3'
Protein context (NP_003473.3, residues 5236-5256): NGRPEFVIKV[Ile5246=]EQGLEDLVFT

ClinVar aggregate classification (germline): Likely benign. Review status: criteria provided, multiple submitters, no conflicts (2 of 4 stars). 2 submissions from 2 submitters: Likely benign (2). Last evaluated 2024-01-19.

Conditions:
Kabuki syndrome. Also called: NIIKAWA-KUROKI SYNDROME; Kabuki make-up syndrome. Identifiers: Orphanet 2322, MedGen C0796004, MONDO:0016512.

Allele frequency attached by ClinVar (database versions not stated): gnomAD exomes 0.00001.
gnomAD v4.1: 8 of 1,600,524 alleles (0.0005%); highest among the groups gnomAD compares: East Asian, 0.0022%; no homozygotes.

Submissions (2):

Labcorp Genetics (formerly Invitae), Labcorp
Classification: Likely benign for Kabuki syndrome. Last evaluated: 2024-01-19. Review status: criteria provided, single submitter. Criteria: Invitae Variant Classification Sherloc (09022015). Collection method: clinical testing. Allele origin: germline.

CeGaT Center for Human Genetics Tuebingen
Classification: Likely benign. Last evaluated: 2023-06-01. Review status: criteria provided, single submitter. Criteria: CeGaT Center For Human Genetics Tuebingen Variant Classification Criteria Version 2. Collection method: clinical testing. Allele origin: germline. Affected: yes. Observed: 1 variant allele.
Comment: KMT2D: BP7